The following is an entry in ClinVar:

NM_000275.3(OCA2):c.805C>T (p.Gln269Ter)

Gene: OCA2 (OCA2 melanosomal transmembrane protein; minus strand). Cytogenetic location: 15q13.1.
Variant type: single nucleotide variant.
Coding change: c.805C>T on transcript NM_000275.3 (MANE Select); coding-DNA position 805, C replaced by T.
Protein change: p.Gln269Ter; replaces glutamine 269 with a stop codon.
Molecular consequence: nonsense.
Genome position (GRCh38, 1-based): chr15:28,018,399, G>A on the plus strand (C>T on the coding strand, the complement: OCA2 is on the minus strand). VCF-style: chr15-28018399-G-A. GRCh37 (hg19) VCF-style: chr15-28263545-G-A.
Other names: c.805C>T, p.Gln269Ter (NM_001300984.2); short protein forms Q269*.
Identifiers: ClinVar variation 3646417 (VCV003646417.2).
Genomic context (GRCh38, chr15:28,018,399, plus strand): 5'-TTTATTATGAGATGAAATGAGATTTCACAATTCCTTTCAAATAAATTATCAGCATAACCT[G>A]CTGTGGCCGCCGCCACCTGGAGCCCAAAGCGTCAGCCTGGGTCAGCTCCACCACGATGTG-3'

ClinVar aggregate classification (germline): Pathogenic (1 of 4 stars; one submission).

Submission:

Labcorp Genetics (formerly Invitae), Labcorp
Classification: Pathogenic. Last evaluated: 2024-04-18. Review status: criteria provided, single submitter. Criteria: Invitae Variant Classification Sherloc (09022015). Collection method: clinical testing. Allele origin: germline.
Comment: This sequence change creates a premature translational stop signal (p.Gln269*) in the OCA2 gene. It is expected to result in an absent or disrupted protein product. Loss-of-function variants in OCA2 are known to be pathogenic (PMID: 19865097, 21541274). This variant is not present in population databases (gnomAD no frequency). This premature translational stop signal has been observed in individual(s) with ocular albinism (PMID: 34838614). Algorithms developed to predict the effect of sequence changes on RNA splicing suggest that this variant may disrupt the consensus splice site. For these reasons, this variant has been classified as Pathogenic.

Literature cited by the submitters: PubMed 19865097; PubMed 21541274; PubMed 34838614.